The following is an entry in ClinVar:

ClinVar aggregate classification (germline): Benign. Review status: criteria provided, multiple submitters, no conflicts (2 of 4 stars). 4 submissions from 4 submitters: Benign (2). 2 of the submissions do not count toward it. Last evaluated 2023-09-01.

Conditions:
COL6A5-related disorder. Also called: COL6A5-related condition.
COL6A5 POLYMORPHISM.

Allele frequency attached by ClinVar (database versions not stated): gnomAD 0.00546 and 0.00537; gnomAD exomes 0.00713; ExAC 0.00963; 1000 Genomes Project 0.00280; 1000 Genomes Project 30x 0.00297; TOPMed 0.00450; ESP Exome Variant Server 0.00479.
gnomAD v4.1: 11,236 of 1,608,954 alleles (0.7%); highest among the groups gnomAD compares: South Asian, 1.4%; 74 homozygotes.

Submissions (4):

CeGaT Center for Human Genetics Tuebingen
Classification: Benign. Last evaluated: 2023-09-01. Review status: criteria provided, single submitter. Criteria: CeGaT Center For Human Genetics Tuebingen Variant Classification Criteria Version 2. Collection method: clinical testing. Allele origin: germline. Affected: yes. Observed: 4 variant alleles.
Comment: COL6A5: BS1, BS2

Breakthrough Genomics
Classification: Benign. Review status: criteria provided, single submitter. Criteria: ACMG Guidelines, 2015. Collection method: not provided. Allele origin: germline. Inheritance: Unknown mechanism. Affected: yes.

PreventionGenetics, part of Exact Sciences
Classification: Likely benign for COL6A5-related condition. Last evaluated: 2020-09-29. Review status: no assertion criteria provided. Collection method: clinical testing. Allele origin: germline. Not counted in ClinVar's aggregate classification.
Comment: This variant is classified as likely benign based on ACMG/AMP sequence variant interpretation guidelines (Richards et al. 2015 PMID: 25741868, with internal and published modifications).

OMIM
Classification: Benign for COL6A5 POLYMORPHISM. Last evaluated: 2020-05-27. Review status: no assertion criteria provided. Collection method: literature only. Allele origin: germline. Not counted in ClinVar's aggregate classification.

Literature cited by the submitters: PubMed 28073787 (cited by OMIM); Hamosh, A. Personal Communication. 2020. Baltimore, Md. (cited by OMIM).

NM_001278298.2(COL6A5):c.6814G>T (p.Glu2272Ter)

Gene: COL6A5 (collagen type VI alpha 5 chain; plus strand). Cytogenetic location: 3q22.1.
Variant type: single nucleotide variant.
Coding change: c.6814G>T on transcript NM_001278298.2 (MANE Select); coding-DNA position 6814, G replaced by T.
Protein change: p.Glu2272Ter; replaces glutamic acid 2272 with a stop codon.
Molecular consequence: nonsense. On other transcripts: non-coding transcript variant (1).
Genome position (GRCh38, 1-based): chr3:130,468,818, G>T. VCF-style: chr3-130468818-G-T. GRCh37 (hg19) VCF-style: chr3-130187662-G-T.
Other names: COL6A5, GLU2272TER (rs115375867); c.6814G>T (NM_001278298.1); c.6814G>T, p.Glu2272Ter (NM_153264.7); short protein forms E2272*.
Identifiers: ClinVar variation 912021 (VCV000912021.27), dbSNP rs115375867, ClinGen allele CA2611609.